The following is an entry in ClinVar:

NM_017875.4(SLC25A38):c.486C>T (p.Tyr162=)

Gene: SLC25A38 (solute carrier family 25 member 38; plus strand). Cytogenetic location: 3p22.1.
Variant type: single nucleotide variant.
Coding change: c.486C>T on transcript NM_017875.4 (MANE Select); coding-DNA position 486, C replaced by T.
Protein change: p.Tyr162=; no amino-acid change (tyrosine 162 retained).
Molecular consequence: synonymous variant.
Genome position (GRCh38, 1-based): chr3:39,391,882, C>T. VCF-style: chr3-39391882-C-T. GRCh37 (hg19) VCF-style: chr3-39433373-C-T.
Other names: c.486C>T, p.Tyr162= (LRG_1133t1, NM_001354798.2).
Identifiers: ClinVar variation 506833 (VCV000506833.37), dbSNP rs531290475, ClinGen allele CA2327480.

ClinVar aggregate classification (germline): Conflicting classifications of pathogenicity. Review status: criteria provided, conflicting classifications (1 of 4 stars). 5 submissions from 5 submitters: Uncertain significance (1); Likely benign (3). 1 of the submissions does not count toward it. Last evaluated 2026-02-01.

Conditions:
Sideroblastic anemia 2. Also called: Anemia, sideroblastic, 2, pyridoxine-refractory. Identifiers: Orphanet 260305, MedGen C4225425, MONDO:0008785, OMIM 205950.
SLC25A38-related disorder. Also called: SLC25A38-related condition; SLC25A38-related disorders.

Allele frequency attached by ClinVar (database versions not stated): ExAC 0.00006; gnomAD exomes 0.00010; gnomAD 0.00011 and 0.00012; TOPMed 0.00013; 1000 Genomes Project 0.00020; 1000 Genomes Project 30x 0.00031.
gnomAD v4.1: 130 of 1,613,862 alleles (0.0081%); highest among the groups gnomAD compares: Middle Eastern, 0.034%; no homozygotes.

Submissions (5):

Labcorp Genetics (formerly Invitae), Labcorp
Classification: Likely benign. Last evaluated: 2026-02-01. Review status: criteria provided, single submitter. Criteria: Invitae Variant Classification Sherloc (09022015). Collection method: clinical testing. Allele origin: germline.

CeGaT Center for Human Genetics Tuebingen
Classification: Likely benign. Last evaluated: 2022-03-01. Review status: criteria provided, single submitter. Criteria: CeGaT Center For Human Genetics Tuebingen Variant Classification Criteria Version 2. Collection method: clinical testing. Allele origin: germline. Affected: yes. Observed: 1 variant allele.
Comment: SLC25A38: BP4, BP7

Illumina Laboratory Services, Illumina
Classification: Uncertain significance for Sideroblastic anemia 2. Last evaluated: 2018-01-13. Review status: criteria provided, single submitter. Criteria: ICSL Variant Classification Criteria 13 December 2019. Collection method: clinical testing. Allele origin: germline.

GeneDx
Classification: Likely benign. Last evaluated: 2017-11-20. Review status: criteria provided, single submitter. Criteria: GeneDx Variant Classification (06012015). Collection method: clinical testing. Allele origin: germline. Affected: yes.
Comment: This variant is considered likely benign or benign based on one or more of the following criteria: it is a conservative change, it occurs at a poorly conserved position in the protein, it is predicted to be benign by multiple in silico algorithms, and/or has population frequency not consistent with disease.

PreventionGenetics, part of Exact Sciences
Classification: Likely benign for SLC25A38-related condition. Last evaluated: 2019-10-28. Review status: no assertion criteria provided. Collection method: clinical testing. Allele origin: germline. Not counted in ClinVar's aggregate classification.
Comment: This variant is classified as likely benign based on ACMG/AMP sequence variant interpretation guidelines (Richards et al. 2015 PMID: 25741868, with internal and published modifications).